The following is an entry in ClinVar:

ClinVar aggregate classification (germline): Uncertain significance. Review status: criteria provided, multiple submitters, no conflicts (2 of 4 stars). 2 submissions from 2 submitters: Uncertain significance (2). Last evaluated 2024-10-05.

Conditions:
Intellectual disability, autosomal recessive 53 (NEDHSCA). Also called: GLYCOSYLPHOSPHATIDYLINOSITOL BIOSYNTHESIS DEFECT 13; Mental retardation, autosomal recessive 53; NEURODEVELOPMENTAL DISORDER WITH OR WITHOUT HYPOTONIA, SEIZURES, AND CEREBELLAR ATROPHY. Identifiers: Orphanet 488635, MedGen C4310794, MONDO:0014832, OMIM 616917.
Inborn genetic diseases. Identifiers: MedGen C0950123, MeSH D030342.

gnomAD v4.1: 7 of 1,614,148 alleles (0.00043%); highest among the groups gnomAD compares: African/African-American, 0.0027%; no homozygotes.

Submissions (2):

Labcorp Genetics (formerly Invitae), Labcorp
Classification: Uncertain significance for Intellectual disability, autosomal recessive 53. Last evaluated: 2024-10-05. Review status: criteria provided, single submitter. Criteria: Invitae Variant Classification Sherloc (09022015). Collection method: clinical testing. Allele origin: germline.
Comment: This sequence change replaces leucine, which is neutral and non-polar, with valine, which is neutral and non-polar, at codon 585 of the PIGG protein (p.Leu585Val). This variant is not present in population databases (gnomAD no frequency). This variant has not been reported in the literature in individuals affected with PIGG-related conditions. Invitae Evidence Modeling of protein sequence and biophysical properties (such as structural, functional, and spatial information, amino acid conservation, physicochemical variation, residue mobility, and thermodynamic stability) indicates that this missense variant is not expected to disrupt PIGG protein function with a negative predictive value of 80%. In summary, the available evidence is currently insufficient to determine the role of this variant in disease. Therefore, it has been classified as a Variant of Uncertain Significance.

Ambry Genetics
Classification: Uncertain significance for Inborn genetic diseases. Last evaluated: 2024-04-04. Review status: criteria provided, single submitter. Criteria: Ambry Variant Classification Scheme 2023. Collection method: clinical testing. Allele origin: germline.

NM_001127178.3(PIGG):c.1753C>G (p.Leu585Val)

Gene: PIGG (phosphatidylinositol glycan anchor biosynthesis class G (EMM blood group); plus strand). Cytogenetic location: 4p16.3.
Variant type: single nucleotide variant.
Coding change: c.1753C>G on transcript NM_001127178.3 (MANE Select); coding-DNA position 1753, C replaced by G.
Protein change: p.Leu585Val; replaces leucine 585 with valine.
Molecular consequence: missense variant. On other transcripts: non-coding transcript variant (7).
Genome position (GRCh38, 1-based): chr4:523,597, C>G. VCF-style: chr4-523597-C-G. GRCh37 (hg19) VCF-style: chr4-517386-C-G.
Other names: c.1486C>G, p.Leu496Val (NM_001289051.2, NM_001345986.2); c.1354C>G, p.Leu452Val (NM_001289052.2); c.1462C>G, p.Leu488Val (NM_001345987.2); c.724C>G, p.Leu242Val (NM_001345988.2); c.220C>G, p.Leu74Val (NM_001345990.2, NM_001345991.2); c.655C>G, p.Leu219Val (NM_001345994.2); c.1729C>G, p.Leu577Val (NM_017733.5); short protein forms L219V, L488V, L242V, L496V, L577V, L74V, L452V, L585V.
Identifiers: ClinVar variation 3306482 (VCV003306482.2).